The following is an entry in ClinVar:

ClinVar aggregate classification (germline): Benign. Review status: criteria provided, multiple submitters, no conflicts (2 of 4 stars). 2 submissions from 2 submitters: Benign (2). Last evaluated 2018-06-14.

Allele frequency attached by ClinVar (database versions not stated): gnomAD 0.14525 and 0.14567; 1000 Genomes Project 30x 0.14663; TOPMed 0.14675; 1000 Genomes Project 0.15056; gnomAD exomes 0.15792.
gnomAD v4.1: 187,969 of 1,202,152 alleles (16%); highest among the groups gnomAD compares: Middle Eastern, 25%; 15,245 homozygotes.

Submissions (2):

GeneDx
Classification: Benign. Last evaluated: 2018-06-14. Review status: criteria provided, single submitter. Criteria: GeneDx Variant Classification (06012015). Collection method: clinical testing. Allele origin: germline. Affected: yes.
Comment: This variant is considered likely benign or benign based on one or more of the following criteria: it is a conservative change, it occurs at a poorly conserved position in the protein, it is predicted to be benign by multiple in silico algorithms, and/or has population frequency not consistent with disease.

Breakthrough Genomics
Classification: Benign. Review status: criteria provided, single submitter. Criteria: ACMG Guidelines, 2015. Collection method: not provided. Allele origin: germline. Inheritance: Autosomal recessive inheritance. Affected: yes.

NM_001378609.3(OTOGL):c.4349-77A>C

Gene: OTOGL (otogelin like; plus strand). Cytogenetic location: 12q21.31.
Variant type: single nucleotide variant.
Coding change: c.4349-77A>C on transcript NM_001378609.3 (MANE Select); 77 bases into the intron before coding-DNA position 4349, A replaced by C.
Molecular consequence: intron variant.
Genome position (GRCh38, 1-based): chr12:80,332,928, A>C. VCF-style: chr12-80332928-A-C. GRCh37 (hg19) VCF-style: chr12-80726708-A-C.
Other names: c.4214-77A>C (NM_001368062.3); c.4349-77A>C (NM_001378610.3, NM_173591.7).
Identifiers: ClinVar variation 682674 (VCV000682674.2), dbSNP rs1451101, ClinGen allele CA13747259.